The following is an entry in ClinVar:

NM_030962.4(SBF2):c.946C>T (p.Leu316=)

Gene: SBF2 (SET binding factor 2; minus strand). Cytogenetic location: 11p15.4.
Variant type: single nucleotide variant.
Coding change: c.946C>T on transcript NM_030962.4 (MANE Select); coding-DNA position 946, C replaced by T.
Protein change: p.Leu316=; no amino-acid change (leucine 316 retained).
Molecular consequence: synonymous variant.
Genome position (GRCh38, 1-based): chr11:9,998,295, G>A on the plus strand (C>T on the coding strand, the complement: SBF2 is on the minus strand). VCF-style: chr11-9998295-G-A. GRCh37 (hg19) VCF-style: chr11-10019842-G-A.
Other names: c.946C>T, p.Leu316= (NM_001386339.1, NM_001386342.1).
Identifiers: ClinVar variation 301868 (VCV000301868.21), dbSNP rs374841593, ClinGen allele CA5881964.
Genomic context (GRCh38, chr11:9,998,295, plus strand): 5'-AGAAAGTTACTATTACAAAAATATGTCATACCAAAGAAAGAGCTGATTGAGTCTGATGTA[G>A]AAGTGGTTCTGGGAGGGAAGAGAGGTGAATACATTCGGGAATTTTAATAGTGCCTCCATC-3'
Protein context (NP_112224.1, residues 306-326): IHLSSLPEPL[Leu316=]HQTQSALSLI

ClinVar aggregate classification (germline): Conflicting classifications of pathogenicity. Review status: criteria provided, conflicting classifications (1 of 4 stars). 7 submissions from 7 submitters: Uncertain significance (2); Likely benign (5). Last evaluated 2026-03-18.

Conditions:
SBF2-related disorder. Also called: SBF2-related condition.
Charcot-Marie-Tooth disease. Also called: Charcot-Marie-Tooth Hereditary Neuropathy; Charcot-Marie-Tooth Neuropathy. Identifiers: Orphanet 166, MedGen C0007959, MONDO:0015626.
Inborn genetic diseases. Identifiers: MedGen C0950123, MeSH D030342.
Charcot-Marie-Tooth disease type 4. Also called: Charcot-Marie-Tooth disease, type IV; Charcot-Marie-Tooth, Type 4. Identifiers: Orphanet 64749, MedGen C4082197, MONDO:0018995.
Charcot-Marie-Tooth disease type 4B2. Also called: CHARCOT-MARIE-TOOTH DISEASE, DEMYELINATING, TYPE 4B2; Charcot-Marie-Tooth Neuropathy Type 4B2; CHARCOT-MARIE-TOOTH DISEASE, WITH FOCALLY FOLDED MYELIN SHEATHS, AUTOSOMAL RECESSIVE, TYPE 4B2; CMT 4B2. Identifiers: Orphanet 99956, MedGen C1858278, MONDO:0011475, OMIM 604563.

Allele frequency attached by ClinVar (database versions not stated): ESP Exome Variant Server 0.00008; gnomAD 0.00008; TOPMed 0.00008; gnomAD exomes 0.00011 and 0.00015; ExAC 0.00014.

Submissions (7):

PreventionGenetics, part of Exact Sciences
Classification: Uncertain significance for SBF2-related condition. Last evaluated: 2026-03-18. Review status: criteria provided, single submitter. Criteria: ACMG Guidelines, 2015. Collection method: clinical testing. Allele origin: germline.
Comment: The SBF2 c.946C>T variant is not predicted to result in an amino acid change (p.=). This variant is predicted to alter splicing based on available splicing prediction programs (SpliceAI, Jaganathan et al. 2019. PubMed ID: 30661751). However, such computer prediction programs are imperfect. To our knowledge, this variant has not been reported in the literature. This variant is reported in 0.021% of alleles in individuals of European (Non-Finnish) descent in gnomAD. At this time, the clinical significance of this variant is uncertain due to the absence of conclusive functional and genetic evidence.

Labcorp Genetics (formerly Invitae), Labcorp
Classification: Likely benign for Charcot-Marie-Tooth disease type 4. Last evaluated: 2025-11-13. Review status: criteria provided, single submitter. Criteria: Invitae Variant Classification Sherloc (09022015). Collection method: clinical testing. Allele origin: germline.

Blueprint Genetics
Classification: Likely benign. Last evaluated: 2024-04-25. Review status: criteria provided, single submitter. Criteria: ACMG Guidelines, 2015. Collection method: clinical testing. Allele origin: germline.

Ambry Genetics
Classification: Likely benign for Inborn genetic diseases. Last evaluated: 2019-07-11. Review status: criteria provided, single submitter. Criteria: Ambry Variant Classification Scheme 2023. Collection method: clinical testing. Allele origin: germline.

GeneDx
Classification: Likely benign. Last evaluated: 2018-06-25. Review status: criteria provided, single submitter. Criteria: GeneDx Variant Classification Process June 2021. Collection method: clinical testing. Allele origin: germline. Affected: yes.

Illumina Laboratory Services, Illumina
Classification: Uncertain significance for Charcot-Marie-Tooth disease type 4B2. Last evaluated: 2018-01-12. Review status: criteria provided, single submitter. Criteria: ICSL Variant Classification Criteria 13 December 2019. Collection method: clinical testing. Allele origin: germline.

Molecular Genetics Laboratory, London Health Sciences Centre
Classification: Likely benign for Charcot-Marie-Tooth disease. Review status: criteria provided, single submitter. Criteria: ACMG Guidelines, 2015. Collection method: clinical testing. Allele origin: germline. Affected: yes.